The following is an entry in ClinVar:

ClinVar aggregate classification (germline): Uncertain significance. Review status: criteria provided, multiple submitters, no conflicts (2 of 4 stars). 2 submissions from 2 submitters: Uncertain significance (2). Last evaluated 2025-12-24.

Conditions:
Inborn genetic diseases. Identifiers: MedGen C0950123, MeSH D030342.
T-cell immunodeficiency, congenital alopecia, and nail dystrophy. Also called: Congenital alopecia and nail dystrophy associated with severe functional T-cell immunodeficiency; Pignata Guarino syndrome. Identifiers: Orphanet 169095, MedGen C1866426, MONDO:0011132, OMIM 601705.

Allele frequency attached by ClinVar (database versions not stated): gnomAD exomes 0.00002; TOPMed 0.00002; ExAC 0.00003; gnomAD 0.00003 and 0.00004; ESP Exome Variant Server 0.00008.
gnomAD v4.1: 55 of 1,607,186 alleles (0.0034%); highest among the groups gnomAD compares: East Asian, 0.0089%; no homozygotes.

Submissions (2):

Labcorp Genetics (formerly Invitae), Labcorp
Classification: Uncertain significance for T-cell immunodeficiency, congenital alopecia, and nail dystrophy. Last evaluated: 2025-12-24. Review status: criteria provided, single submitter. Criteria: Invitae Variant Classification Sherloc (09022015). Collection method: clinical testing. Allele origin: germline.
Comment: This sequence change replaces glutamic acid, which is acidic and polar, with lysine, which is basic and polar, at codon 508 of the FOXN1 protein (p.Glu508Lys). This variant is present in population databases (rs368261937, gnomAD 0.005%). This variant has not been reported in the literature in individuals affected with FOXN1-related conditions. ClinVar contains an entry for this variant (Variation ID: 1041630). Invitae Evidence Modeling of protein sequence and biophysical properties (such as structural, functional, and spatial information, amino acid conservation, physicochemical variation, residue mobility, and thermodynamic stability) indicates that this missense variant is not expected to disrupt FOXN1 protein function with a negative predictive value of 80%. In summary, the available evidence is currently insufficient to determine the role of this variant in disease. Therefore, it has been classified as a Variant of Uncertain Significance.

Ambry Genetics
Classification: Uncertain significance for Inborn genetic diseases. Last evaluated: 2022-09-06. Review status: criteria provided, single submitter. Criteria: Ambry Variant Classification Scheme 2023. Collection method: clinical testing. Allele origin: germline.

NM_001369369.1(FOXN1):c.1522G>A (p.Glu508Lys)

Gene: FOXN1 (forkhead box N1; plus strand). Cytogenetic location: 17q11.2.
Variant type: single nucleotide variant.
Coding change: c.1522G>A on transcript NM_001369369.1 (MANE Select); coding-DNA position 1522, G replaced by A.
Protein change: p.Glu508Lys; replaces glutamic acid 508 with lysine.
Molecular consequence: missense variant.
Genome position (GRCh38, 1-based): chr17:28,535,093, G>A. VCF-style: chr17-28535093-G-A. GRCh37 (hg19) VCF-style: chr17-26862111-G-A.
Other names: c.1522G>A, p.Glu508Lys (NM_003593.3); c.1522G>A (NM_003593.2); short protein forms E508K.
Identifiers: ClinVar variation 1041630 (VCV001041630.7), dbSNP rs368261937, ClinGen allele CA8459551.